The following is an entry in ClinVar:

NM_004385.5(VCAN):c.5202G>A (p.Thr1734=)

Genes: VCAN (versican; plus strand), VCAN-AS1 (VCAN antisense RNA 1; minus strand). Cytogenetic location: 5q14.3.
Variant type: single nucleotide variant.
Coding change: c.5202G>A on transcript NM_004385.5 (MANE Select); coding-DNA position 5202, G replaced by A.
Protein change: p.Thr1734=; no amino-acid change (threonine 1734 retained).
Molecular consequence: synonymous variant. On other transcripts: intron variant (2).
Genome position (GRCh38, 1-based): chr5:83,538,205, G>A. VCF-style: chr5-83538205-G-A. GRCh37 (hg19) VCF-style: chr5-82834024-G-A.
Other names: c.2241G>A, p.Thr747= (NM_001164097.2); c.4004-7332G>A (NM_001164098.2); c.1043-7332G>A (NM_001126336.3).
Identifiers: ClinVar variation 354425 (VCV000354425.15), dbSNP rs138599596, ClinGen allele CA3333295.
Genomic context (GRCh38, chr5:83,538,205, plus strand): 5'-GATTTCCAGTACCACTGTTGAGGAAAAGAAAAGGAAGGAGGAGGAGGGAACTACAGGTAC[G>A]GCTTCTACATTTGAGGTATATTCATCTACACAGAGATCGGATCAATTAATTTTACCCTTT-3'
Protein context (NP_004376.2, residues 1724-1744): KRKEEEGTTG[Thr1734=]ASTFEVYSST

ClinVar aggregate classification (germline): Benign/Likely benign. Review status: criteria provided, multiple submitters, no conflicts (2 of 4 stars). 4 submissions from 4 submitters: Benign (2); Likely benign (2). Last evaluated 2025-11-01.

Conditions:
VCAN-related disorder. Also called: VCAN-related condition.
Vitreoretinopathy. Also called: Vitreoretinal degeneration. Identifiers: MedGen C0344290, MONDO:0020248, HP:0007773.

Allele frequency attached by ClinVar (database versions not stated): gnomAD 0.00006 and 0.00012; TOPMed 0.00012; gnomAD exomes 0.00014 and 0.00022; ESP Exome Variant Server 0.00015; 1000 Genomes Project 30x 0.00016; 1000 Genomes Project 0.00020; ExAC 0.00024.
gnomAD v4.1: 219 of 1,613,364 alleles (0.014%); highest among the groups gnomAD compares: South Asian, 0.13%; 3 homozygotes.

Submissions (4):

Labcorp Genetics (formerly Invitae), Labcorp
Classification: Benign. Last evaluated: 2025-11-01. Review status: criteria provided, single submitter. Criteria: Invitae Variant Classification Sherloc (09022015). Collection method: clinical testing. Allele origin: germline.

PreventionGenetics, part of Exact Sciences
Classification: Likely benign for VCAN-related condition. Last evaluated: 2025-02-22. Review status: criteria provided, single submitter. Criteria: ACMG Guidelines, 2015. Collection method: clinical testing. Allele origin: germline.
Comment: This variant is classified as likely benign based on ACMG/AMP sequence variant interpretation guidelines (Richards et al. 2015 PMID: 25741868, with internal and published modifications).

Blueprint Genetics
Classification: Likely benign. Last evaluated: 2024-11-04. Review status: criteria provided, single submitter. Criteria: ACMG Guidelines, 2015. Collection method: clinical testing. Allele origin: germline.

Illumina Laboratory Services, Illumina
Classification: Benign for Vitreoretinopathy. Last evaluated: 2018-01-13. Review status: criteria provided, single submitter. Criteria: ICSL Variant Classification Criteria 13 December 2019. Collection method: clinical testing. Allele origin: germline.
Comment: This variant was observed in the ICSL laboratory as part of a predisposition screen in an ostensibly healthy population. It had not been previously curated by ICSL or reported in the Human Gene Mutation Database (HGMD: prior to June 1st, 2018), and was therefore a candidate for classification through an automated scoring system. Utilizing variant allele frequency, disease prevalence and penetrance estimates, and inheritance mode, an automated score was calculated to assess if this variant is too frequent to cause the disease. Based on the score and internal cut-off values, a variant classified as benign is not then subjected to further curation. The score for this variant resulted in a classification of benign for this disease.